The following is an entry in ClinVar:

NM_004958.4(MTOR):c.862G>A (p.Glu288Lys)

Gene: MTOR (mechanistic target of rapamycin kinase; minus strand). Cytogenetic location: 1p36.22.
Variant type: single nucleotide variant.
Coding change: c.862G>A on transcript NM_004958.4 (MANE Select); coding-DNA position 862, G replaced by A.
Protein change: p.Glu288Lys; replaces glutamic acid 288 with lysine.
Molecular consequence: missense variant. On other transcripts: 5 prime UTR variant (1).
Genome position (GRCh38, 1-based): chr1:11,248,073, C>T on the plus strand (G>A on the coding strand, the complement: MTOR is on the minus strand). VCF-style: chr1-11248073-C-T. GRCh37 (hg19) VCF-style: chr1-11308130-C-T.
Other names: c.862G>A, p.Glu288Lys (NM_001386500.1); c.-278G>A (NM_001386501.1); short protein forms E288K.
Identifiers: ClinVar variation 2086229 (VCV002086229.4), dbSNP rs758906272, ClinGen allele CA590855.

ClinVar aggregate classification (germline): Uncertain significance (1 of 4 stars; one submission).

Allele frequency attached by ClinVar (database versions not stated): gnomAD exomes below 0.00001; TOPMed 0.00001; ExAC 0.00002; gnomAD 0.00002.
gnomAD v4.1: 9 of 1,608,628 alleles (0.00056%); highest among the groups gnomAD compares: Non-Finnish European, 0.00077%; no homozygotes.

Submission:

Labcorp Genetics (formerly Invitae), Labcorp
Classification: Uncertain significance. Last evaluated: 2022-07-31. Review status: criteria provided, single submitter. Criteria: Invitae Variant Classification Sherloc (09022015). Collection method: clinical testing. Allele origin: germline.
Comment: In summary, the available evidence is currently insufficient to determine the role of this variant in disease. Therefore, it has been classified as a Variant of Uncertain Significance. Advanced modeling of protein sequence and biophysical properties (such as structural, functional, and spatial information, amino acid conservation, physicochemical variation, residue mobility, and thermodynamic stability) performed at Invitae indicates that this missense variant is not expected to disrupt MTOR protein function. This variant has not been reported in the literature in individuals affected with MTOR-related conditions. This variant is present in population databases (rs758906272, gnomAD 0.003%). This sequence change replaces glutamic acid, which is acidic and polar, with lysine, which is basic and polar, at codon 288 of the MTOR protein (p.Glu288Lys).